The following is an entry in ClinVar:

ClinVar aggregate classification (germline): Uncertain significance (1 of 4 stars; one submission).

Submission:

Labcorp Genetics (formerly Invitae), Labcorp
Classification: Uncertain significance. Last evaluated: 2021-11-30. Review status: criteria provided, single submitter. Criteria: Invitae Variant Classification Sherloc (09022015). Collection method: clinical testing. Allele origin: germline.
Comment: This variant has not been reported in the literature in individuals affected with KIZ-related conditions. Experimental studies and prediction algorithms are not available or were not evaluated, and the functional significance of this variant is currently unknown. In summary, the available evidence is currently insufficient to determine the role of this variant in disease. Therefore, it has been classified as a Variant of Uncertain Significance. This variant is not present in population databases (gnomAD no frequency). This sequence change replaces threonine, which is neutral and polar, with isoleucine, which is neutral and non-polar, at codon 239 of the KIZ protein (p.Thr239Ile).

NM_018474.6(KIZ):c.716C>T (p.Thr239Ile)

Gene: KIZ (kizuna centrosomal protein; plus strand). Cytogenetic location: 20p11.23.
Variant type: single nucleotide variant.
Coding change: c.716C>T on transcript NM_018474.6 (MANE Select); coding-DNA position 716, C replaced by T.
Protein change: p.Thr239Ile; replaces threonine 239 with isoleucine.
Molecular consequence: missense variant.
Genome position (GRCh38, 1-based): chr20:21,162,181, C>T. VCF-style: chr20-21162181-C-T. GRCh37 (hg19) VCF-style: chr20-21142822-C-T.
Other names: c.407C>T, p.Thr136Ile (NM_001163022.3, NM_001352435.2); c.317C>T, p.Thr106Ile (NM_001163023.3); c.569C>T, p.Thr190Ile (NM_001276389.2); c.716C>T, p.Thr239Ile (NM_001352434.2); c.374C>T, p.Thr125Ile (NM_001352436.2); short protein forms T106I, T190I, T136I, T239I, T125I.
Identifiers: ClinVar variation 1354421 (VCV001354421.6), dbSNP rs2122689672, ClinGen allele CA408492572.